The following is an entry in ClinVar:

NM_006015.6(ARID1A):c.1529A>C (p.Gln510Pro)

Gene: ARID1A (AT-rich interaction domain 1A; plus strand). Cytogenetic location: 1p36.11.
Variant type: single nucleotide variant.
Coding change: c.1529A>C on transcript NM_006015.6 (MANE Select); coding-DNA position 1529, A replaced by C.
Protein change: p.Gln510Pro; replaces glutamine 510 with proline.
Molecular consequence: missense variant.
Genome position (GRCh38, 1-based): chr1:26,731,330, A>C. VCF-style: chr1-26731330-A-C. GRCh37 (hg19) VCF-style: chr1-27057821-A-C.
Other names: c.1529A>C, p.Gln510Pro (NM_139135.4); c.1529A>C (NM_006015.4); short protein forms Q510P.
Identifiers: ClinVar variation 1577571 (VCV001577571.11), dbSNP rs200920292, ClinGen allele CA706794.

ClinVar aggregate classification (germline): Conflicting classifications of pathogenicity. Review status: criteria provided, conflicting classifications (1 of 4 stars). 3 submissions from 3 submitters: Uncertain significance (1); Likely benign (1). 1 of the submissions does not count toward it. Last evaluated 2025-10-27.

Conditions:
Inborn genetic diseases. Identifiers: MedGen C0950123, MeSH D030342.
ARID1A-related disorder. Also called: ARID1A-related condition.

Allele frequency attached by ClinVar (database versions not stated): gnomAD exomes 0.00004; ExAC 0.00005; TOPMed 0.00018; 1000 Genomes Project 0.00020; gnomAD 0.00020; 1000 Genomes Project 30x 0.00047.
gnomAD v4.1: 53 of 1,613,320 alleles (0.0033%); highest among the groups gnomAD compares: African/African-American, 0.068%; no homozygotes.

Submissions (3):

Labcorp Genetics (formerly Invitae), Labcorp
Classification: Likely benign. Last evaluated: 2025-10-27. Review status: criteria provided, single submitter. Criteria: Invitae Variant Classification Sherloc (09022015). Collection method: clinical testing. Allele origin: germline.

Ambry Genetics
Classification: Uncertain significance for Inborn genetic diseases. Last evaluated: 2022-12-02. Review status: criteria provided, single submitter. Criteria: Ambry Variant Classification Scheme 2023. Collection method: clinical testing. Allele origin: germline.

PreventionGenetics, part of Exact Sciences
Classification: Likely benign for ARID1A-related condition. Last evaluated: 2022-09-01. Review status: no assertion criteria provided. Collection method: clinical testing. Allele origin: germline. Not counted in ClinVar's aggregate classification.
Comment: This variant is classified as likely benign based on ACMG/AMP sequence variant interpretation guidelines (Richards et al. 2015 PMID: 25741868, with internal and published modifications).